The following is an entry in ClinVar:

NM_001868.4(CPA1):c.1208C>T (p.Thr403Met)

Gene: CPA1 (carboxypeptidase A1; plus strand). Cytogenetic location: 7q32.2.
Variant type: single nucleotide variant.
Coding change: c.1208C>T on transcript NM_001868.4 (MANE Select); coding-DNA position 1208, C replaced by T.
Protein change: p.Thr403Met; replaces threonine 403 with methionine.
Molecular consequence: missense variant.
Genome position (GRCh38, 1-based): chr7:130,387,959, C>T. VCF-style: chr7-130387959-C-T. GRCh37 (hg19) VCF-style: chr7-130027800-C-T.
Other names: short protein forms T403M.
Identifiers: ClinVar variation 1749265 (VCV001749265.10), dbSNP rs141400125, ClinGen allele CA4485082.

ClinVar aggregate classification (germline): Uncertain significance. Review status: criteria provided, multiple submitters, no conflicts (2 of 4 stars). 3 submissions from 3 submitters: Uncertain significance (3). Last evaluated 2024-11-25.

Conditions:
Hereditary pancreatitis (PCTT). Also called: Hereditary chronic pancreatitis; PRSS1-Related Hereditary Pancreatitis. Identifiers: Orphanet 676, MedGen C0238339, MONDO:0008185, OMIM 167800.

Allele frequency attached by ClinVar (database versions not stated): gnomAD exomes below 0.00001; ExAC 0.00004; gnomAD 0.00007; TOPMed 0.00008; ESP Exome Variant Server 0.00015; 1000 Genomes Project 0.00020; 1000 Genomes Project 30x 0.00031.
gnomAD v4.1: 17 of 1,614,078 alleles (0.0011%); highest among the groups gnomAD compares: African/African-American, 0.013%; no homozygotes.

Submissions (3):

Ambry Genetics
Classification: Uncertain significance for Hereditary pancreatitis. Last evaluated: 2024-11-25. Review status: criteria provided, single submitter. Criteria: Ambry Variant Classification Scheme 2023. Collection method: clinical testing. Allele origin: germline.

Labcorp Genetics (formerly Invitae), Labcorp
Classification: Uncertain significance. Last evaluated: 2022-11-10. Review status: criteria provided, single submitter. Criteria: Invitae Variant Classification Sherloc (09022015). Collection method: clinical testing. Allele origin: germline.
Comment: Experimental studies have shown that this missense change affects CPA1 function (PMID: 28497564). Algorithms developed to predict the effect of missense changes on protein structure and function (SIFT, PolyPhen-2, Align-GVGD) all suggest that this variant is likely to be disruptive. This missense change has been observed in individual(s) with CPA1-related conditions (PMID: 28497564). In summary, the available evidence is currently insufficient to determine the role of this variant in disease. Therefore, it has been classified as a Variant of Uncertain Significance. This variant is present in population databases (rs141400125, gnomAD 0.03%). This sequence change replaces threonine, which is neutral and polar, with methionine, which is neutral and non-polar, at codon 403 of the CPA1 protein (p.Thr403Met).

Revvity Omics, Revvity
Classification: Uncertain significance. Last evaluated: 2022-05-18. Review status: criteria provided, single submitter. Criteria: ACMG Guidelines, 2015. Collection method: clinical testing. Allele origin: germline.

Literature cited by the submitters: PubMed 28497564 (cited by Labcorp Genetics (formerly Invitae), Labcorp).